The following is an entry in ClinVar:

ClinVar aggregate classification (germline): Uncertain significance. Review status: criteria provided, multiple submitters, no conflicts (2 of 4 stars). 4 submissions from 4 submitters: Uncertain significance (4). Last evaluated 2026-06-01.

Conditions:
SAG-related disorder. Also called: SAG-related condition; SAG-related disorders.

Allele frequency attached by ClinVar (database versions not stated): gnomAD 0.00003; TOPMed 0.00003; ExAC 0.00004; gnomAD exomes 0.00006 and 0.00008; ESP Exome Variant Server 0.00008.
gnomAD v4.1: 119 of 1,598,586 alleles (0.0074%); highest among the groups gnomAD compares: Non-Finnish European, 0.0097%; 1 homozygote.

Submissions (4):

PreventionGenetics, part of Exact Sciences
Classification: Uncertain significance for SAG-related condition. Last evaluated: 2026-06-01. Review status: criteria provided, single submitter. Criteria: ACMG Guidelines, 2015. Collection method: clinical testing. Allele origin: germline.
Comment: The SAG c.100G>T variant is predicted to result in the amino acid substitution p.Asp34Tyr. To our knowledge, this variant has not been reported in the literature. This variant is present in 0.012% of alleles in individuals of European (Non-Finnish) descent in gnomAD. At this time, the clinical significance of this variant is uncertain due to the absence of conclusive functional and genetic evidence.

Labcorp Genetics (formerly Invitae), Labcorp
Classification: Uncertain significance. Last evaluated: 2025-10-03. Review status: criteria provided, single submitter. Criteria: Invitae Variant Classification Sherloc (09022015). Collection method: clinical testing. Allele origin: germline.
Comment: This sequence change replaces aspartic acid, which is acidic and polar, with tyrosine, which is neutral and polar, at codon 34 of the SAG protein (p.Asp34Tyr). This variant is present in population databases (rs373412387, gnomAD 0.01%). This variant has not been reported in the literature in individuals affected with SAG-related conditions. ClinVar contains an entry for this variant (Variation ID: 834259). Invitae Evidence Modeling of protein sequence and biophysical properties (such as structural, functional, and spatial information, amino acid conservation, physicochemical variation, residue mobility, and thermodynamic stability) indicates that this missense variant is expected to disrupt SAG protein function with a positive predictive value of 80%. In summary, the available evidence is currently insufficient to determine the role of this variant in disease. Therefore, it has been classified as a Variant of Uncertain Significance.

Blueprint Genetics
Classification: Uncertain significance. Last evaluated: 2024-10-18. Review status: criteria provided, single submitter. Criteria: ACMG Guidelines, 2015. Collection method: clinical testing. Allele origin: germline.

Breakthrough Genomics
Classification: Uncertain significance. Review status: criteria provided, single submitter. Criteria: ACMG Guidelines, 2015. Collection method: not provided. Allele origin: germline. Inheritance: Autosomal recessive inheritance. Affected: yes.

NM_000541.5(SAG):c.100G>T (p.Asp34Tyr)

Gene: SAG (S-antigen visual arrestin; plus strand). Cytogenetic location: 2q37.1.
Variant type: single nucleotide variant.
Coding change: c.100G>T on transcript NM_000541.5 (MANE Select); coding-DNA position 100, G replaced by T.
Protein change: p.Asp34Tyr; replaces aspartic acid 34 with tyrosine.
Molecular consequence: missense variant.
Genome position (GRCh38, 1-based): chr2:233,316,099, G>T. VCF-style: chr2-233316099-G-T. GRCh37 (hg19) VCF-style: chr2-234224745-G-T.
Other names: short protein forms D34Y.
Identifiers: ClinVar variation 834259 (VCV000834259.12), dbSNP rs373412387, ClinGen allele CA2174216.